The following is an entry in ClinVar:

NM_001232.4(CASQ2):c.784-247T>A

Gene: CASQ2 (calsequestrin 2; minus strand). Cytogenetic location: 1p13.1.
Variant type: single nucleotide variant.
Coding change: c.784-247T>A on transcript NM_001232.4 (MANE Select); 247 bases into the intron before coding-DNA position 784, T replaced by A.
Molecular consequence: intron variant.
Genome position (GRCh38, 1-based): chr1:115,718,141, A>T on the plus strand (T>A on the coding strand, the complement: CASQ2 is on the minus strand). VCF-style: chr1-115718141-A-T. GRCh37 (hg19) VCF-style: chr1-116260762-A-T.
Identifiers: ClinVar variation 679114 (VCV000679114.1), dbSNP rs74865143, ClinGen allele CA15093872.

ClinVar aggregate classification (germline): Likely benign (1 of 4 stars; one submission).

Allele frequency attached by ClinVar (database versions not stated): 1000 Genomes Project 30x 0.00390; 1000 Genomes Project 0.00419; TOPMed 0.01029; gnomAD 0.01064 and 0.01101.
gnomAD v4.1: 1,618 of 152,342 alleles (1.1%); highest among the groups gnomAD compares: Non-Finnish European, 1.8%; 18 homozygotes.

Submission:

GeneDx
Classification: Likely benign. Last evaluated: 2018-06-14. Review status: criteria provided, single submitter. Criteria: GeneDx Variant Classification (06012015). Collection method: clinical testing. Allele origin: germline. Affected: yes.
Comment: This variant is considered likely benign or benign based on one or more of the following criteria: it is a conservative change, it occurs at a poorly conserved position in the protein, it is predicted to be benign by multiple in silico algorithms, and/or has population frequency not consistent with disease.